The following is an entry in ClinVar:

ClinVar aggregate classification (germline): Uncertain significance. Review status: criteria provided, multiple submitters, no conflicts (2 of 4 stars). 3 submissions from 3 submitters: Uncertain significance (3). Last evaluated 2023-11-20.

Conditions:
Familial thoracic aortic aneurysm and aortic dissection (TAAD). Also called: Thoracic aortic aneurysms and dissections. Identifiers: Orphanet 91387, MedGen C4707243, MONDO:0019625.
Aortic aneurysm, familial thoracic 4 (AAT4). Also called: AORTIC ANEURYSM/AORTIC DISSECTION AND PATENT DUCTUS ARTERIOSUS. Identifiers: MedGen C1851504, MONDO:0007568, OMIM 132900.

Allele frequency attached by ClinVar (database versions not stated): gnomAD exomes below 0.00001; TOPMed below 0.00001; ExAC 0.00001.
gnomAD v4.1: 5 of 1,614,118 alleles (0.00031%); highest among the groups gnomAD compares: South Asian, 0.0022%; no homozygotes.

Submissions (3):

All of Us Research Program, National Institutes of Health
Classification: Uncertain significance for Familial thoracic aortic aneurysm and aortic dissection. Last evaluated: 2023-11-20. Review status: criteria provided, single submitter. Criteria: ACMG Guidelines, 2015. Collection method: clinical testing. Allele origin: germline. Inheritance: Autosomal dominant inheritance. Observed: 1 variant allele, 1 heterozygote.
Comment: This missense variant replaces glutamic acid with lysine at codon 1922 of the MYH11 protein. Computational prediction suggests that this variant may have deleterious impact on protein structure and function (internally defined REVEL score threshold >= 0.7, PMID: 27666373). To our knowledge, functional studies have not been reported for this variant. This variant has not been reported in individuals affected with MYH11-related disorders in the literature. This variant has not been identified in the general population by the Genome Aggregation Database (gnomAD). The available evidence is insufficient to determine the role of this variant in disease conclusively. Therefore, this variant is classified as a Variant of Uncertain Significance.

This study involves interpretation of variants in research participants for the purpose of population health screening. Participant phenotype was not available at the time of variant classification. Additional details can be found in publication PMID: 35346344, PMCID: PMC8962531

Ambry Genetics
Classification: Uncertain significance for Familial thoracic aortic aneurysm and aortic dissection. Last evaluated: 2023-10-17. Review status: criteria provided, single submitter. Criteria: Ambry Variant Classification Scheme 2023. Collection method: clinical testing. Allele origin: germline.

Labcorp Genetics (formerly Invitae), Labcorp
Classification: Uncertain significance for Aortic aneurysm, familial thoracic 4. Last evaluated: 2023-04-12. Review status: criteria provided, single submitter. Criteria: Invitae Variant Classification Sherloc (09022015). Collection method: clinical testing. Allele origin: germline.
Comment: This sequence change replaces glutamic acid, which is acidic and polar, with lysine, which is basic and polar, at codon 1922 of the MYH11 protein (p.Glu1922Lys). This variant is not present in population databases (gnomAD no frequency). This variant has not been reported in the literature in individuals affected with MYH11-related conditions. Advanced modeling of protein sequence and biophysical properties (such as structural, functional, and spatial information, amino acid conservation, physicochemical variation, residue mobility, and thermodynamic stability) performed at Invitae indicates that this missense variant is not expected to disrupt MYH11 protein function. In summary, the available evidence is currently insufficient to determine the role of this variant in disease. Therefore, it has been classified as a Variant of Uncertain Significance.

NM_002474.3(MYH11):c.5743G>A (p.Glu1915Lys)

Genes: NDE1 (nudE neurodevelopment protein 1; plus strand), MYH11 (myosin heavy chain 11; minus strand). Cytogenetic location: 16p13.11.
Variant type: single nucleotide variant.
Coding change: c.5743G>A on transcript NM_002474.3 (MANE Select); coding-DNA position 5743, G replaced by A.
Protein change: p.Glu1915Lys; replaces glutamic acid 1915 with lysine.
Molecular consequence: missense variant. On other transcripts: intron variant (2).
Genome position (GRCh38, 1-based): chr16:15,714,952, C>T on the plus strand (G>A on the coding strand, the complement: MYH11 is on the minus strand). VCF-style: chr16-15714952-C-T. GRCh37 (hg19) VCF-style: chr16-15808809-C-T.
Other names: c.5764G>A, p.Glu1922Lys (NM_001040113.2, NM_001040114.2); c.5743G>A, p.Glu1915Lys (NM_022844.3); c.948-9239C>T (NM_001143979.2, NM_017668.3); short protein forms E1915K, E1922K.
Identifiers: ClinVar variation 2740057 (VCV002740057.4), dbSNP rs746561322, ClinGen allele CA7921152.